The following is an entry in ClinVar:

ClinVar aggregate classification (germline): Conflicting classifications of pathogenicity. Review status: criteria provided, conflicting classifications (1 of 4 stars). 2 submissions from 2 submitters: Uncertain significance (1); Likely benign (1). Last evaluated 2023-12-22.

Allele frequency attached by ClinVar (database versions not stated): ExAC 0.00002; TOPMed 0.00002; gnomAD 0.00003.
gnomAD v4.1: 18 of 1,614,042 alleles (0.0011%); highest among the groups gnomAD compares: Admixed American, 0.0033%; no homozygotes.

Submissions (2):

Ambry Genetics
Classification: Likely benign. Last evaluated: 2023-12-22. Review status: criteria provided, single submitter. Criteria: Ambry Variant Classification Scheme 2023. Collection method: clinical testing. Allele origin: germline.

Labcorp Genetics (formerly Invitae), Labcorp
Classification: Uncertain significance. Last evaluated: 2022-06-08. Review status: criteria provided, single submitter. Criteria: Invitae Variant Classification Sherloc (09022015). Collection method: clinical testing. Allele origin: germline.
Comment: This sequence change replaces arginine, which is basic and polar, with histidine, which is basic and polar, at codon 1308 of the C5 protein (p.Arg1308His). This variant is present in population databases (rs548333233, gnomAD 0.005%). This variant has not been reported in the literature in individuals affected with C5-related conditions. Algorithms developed to predict the effect of missense changes on protein structure and function output the following: SIFT: "Tolerated"; PolyPhen-2: "Benign"; Align-GVGD: "Class C0". The histidine amino acid residue is found in multiple mammalian species, which suggests that this missense change does not adversely affect protein function. In summary, the available evidence is currently insufficient to determine the role of this variant in disease. Therefore, it has been classified as a Variant of Uncertain Significance.

NM_001735.3(C5):c.3923G>A (p.Arg1308His)

Gene: C5 (complement C5; minus strand). Cytogenetic location: 9q33.2.
Variant type: single nucleotide variant.
Coding change: c.3923G>A on transcript NM_001735.3 (MANE Select); coding-DNA position 3923, G replaced by A.
Protein change: p.Arg1308His; replaces arginine 1308 with histidine.
Molecular consequence: missense variant.
Genome position (GRCh38, 1-based): chr9:120,974,873, C>T on the plus strand (G>A on the coding strand, the complement: C5 is on the minus strand). VCF-style: chr9-120974873-C-T. GRCh37 (hg19) VCF-style: chr9-123737151-C-T.
Other names: c.3941G>A, p.Arg1314His (NM_001317163.2); short protein forms R1308H, R1314H.
Identifiers: ClinVar variation 2057035 (VCV002057035.2), dbSNP rs548333233, ClinGen allele CA5217353.